The following is an entry in ClinVar:

NM_001127453.2(GSDME):c.325G>C (p.Val109Leu)

Gene: GSDME (gasdermin E; minus strand). Cytogenetic location: 7p15.3.
Variant type: single nucleotide variant.
Coding change: c.325G>C on transcript NM_001127453.2 (MANE Select); coding-DNA position 325, G replaced by C.
Protein change: p.Val109Leu; replaces valine 109 with leucine.
Molecular consequence: missense variant. On other transcripts: 5 prime UTR variant (1).
Genome position (GRCh38, 1-based): chr7:24,744,641, C>G on the plus strand (G>C on the coding strand, the complement: GSDME is on the minus strand). VCF-style: chr7-24744641-C-G. GRCh37 (hg19) VCF-style: chr7-24784260-C-G.
Other names: c.-168G>C (NM_001127454.2); c.325G>C, p.Val109Leu (NM_004403.3); short protein forms V109L.
Identifiers: ClinVar variation 2136261 (VCV002136261.3), dbSNP rs202227661, ClinGen allele CA4191770.

ClinVar aggregate classification (germline): Uncertain significance. Review status: criteria provided, multiple submitters, no conflicts (2 of 4 stars). 2 submissions from 2 submitters: Uncertain significance (2). Last evaluated 2026-07-14.

Conditions:
Inborn genetic diseases. Identifiers: MedGen C0950123, MeSH D030342.

gnomAD v4.1: 47 of 1,614,072 alleles (0.0029%); highest among the groups gnomAD compares: East Asian, 0.1%; no homozygotes.

Submissions (2):

GeneDx
Classification: Uncertain significance. Last evaluated: 2026-07-14. Review status: criteria provided, single submitter. Criteria: GeneDx Variant Classification Process June 2021. Collection method: clinical testing. Allele origin: germline.
Comment: In silico analysis suggests that this missense variant does not alter protein structure/function; Has not been previously published as pathogenic or benign to our knowledge

Ambry Genetics
Classification: Uncertain significance for Inborn genetic diseases. Last evaluated: 2021-09-16. Review status: criteria provided, single submitter. Criteria: Ambry Variant Classification Scheme 2023. Collection method: clinical testing. Allele origin: germline.